The following is an entry in ClinVar:

ClinVar aggregate classification (germline): Uncertain significance (1 of 4 stars; one submission).

Allele frequency attached by ClinVar (database versions not stated): gnomAD 0.00001; ExAC 0.00003.

Submission:

Labcorp Genetics (formerly Invitae), Labcorp
Classification: Uncertain significance. Last evaluated: 2024-10-21. Review status: criteria provided, single submitter. Criteria: Invitae Variant Classification Sherloc (09022015). Collection method: clinical testing. Allele origin: germline.
Comment: This sequence change replaces arginine, which is basic and polar, with histidine, which is basic and polar, at codon 149 of the RELA protein (p.Arg149His). This variant is present in population databases (rs761250712, gnomAD 0.006%). This variant has not been reported in the literature in individuals affected with RELA-related conditions. ClinVar contains an entry for this variant (Variation ID: 1465456). An algorithm developed to predict the effect of missense changes on protein structure and function (PolyPhen-2) suggests that this variant is likely to be disruptive. In summary, the available evidence is currently insufficient to determine the role of this variant in disease. Therefore, it has been classified as a Variant of Uncertain Significance.

NM_021975.4(RELA):c.446G>A (p.Arg149His)

Gene: RELA (RELA proto-oncogene, NF-kB subunit; minus strand). Cytogenetic location: 11q13.1.
Variant type: single nucleotide variant.
Coding change: c.446G>A on transcript NM_021975.4 (MANE Select); coding-DNA position 446, G replaced by A.
Protein change: p.Arg149His; replaces arginine 149 with histidine.
Molecular consequence: missense variant.
Genome position (GRCh38, 1-based): chr11:65,659,779, C>T on the plus strand (G>A on the coding strand, the complement: RELA is on the minus strand). VCF-style: chr11-65659779-C-T. GRCh37 (hg19) VCF-style: chr11-65427250-C-T.
Other names: c.437G>A, p.Arg146His (NM_001145138.2); c.446G>A, p.Arg149His (NM_001243984.2, NM_001243985.2); short protein forms R149H, R146H.
Identifiers: ClinVar variation 1465456 (VCV001465456.8), dbSNP rs761250712, ClinGen allele CA6106876.